The following is an entry in ClinVar:

ClinVar aggregate classification (germline): no classifications from unflagged records (0 of 4 stars; one submission).

Submission:

ARUP Laboratories, Cytogenetics and Genomic Microarray, ARUP Laboratories
Classification: Likely pathogenic. Last evaluated: 2026-02-02. Review status: flagged submission. Criteria: ARUP Cytogenomic Constitutional CNV Assertion Criteria. Collection method: clinical testing. Allele origin: germline. Observed: 1 variant allele.
ClinVar note: Notes: This submission was flagged because its interpretation of this variant conflicts with the ClinGen Gene Dosage Map curation for the gene CLTC.
ClinVar note: Reason: Conflict with ClinGen Gene Dosage Map

GRCh37/hg19 17q23.1(chr17:57665341-57873701)x1

Genes: CLTC (clathrin heavy chain; plus strand), DHX40 (DEAH-box helicase 40; plus strand), PTRH2 (peptidyl-tRNA hydrolase 2; minus strand), VMP1 (vacuole membrane protein 1; plus strand). Cytogenetic location: 17q23.1.
Variant type: copy number loss.
Change: copy number 1 (one copy instead of two) of chr17:57,665,341-57,873,701 (208.4 kb, GRCh37 coordinates, 1-based), cytogenetic band 17q23.1.
Identifiers: ClinVar variation 1526581 (VCV001526581.4).